The following is an entry in ClinVar:

ClinVar aggregate classification (germline): Uncertain significance (1 of 4 stars; one submission).

Allele frequency attached by ClinVar (database versions not stated): gnomAD exomes 0.00001; TOPMed below 0.00001; ExAC 0.00001.
gnomAD v4.1: 18 of 1,608,744 alleles (0.0011%); highest among the groups gnomAD compares: Admixed American, 0.0034%; no homozygotes.

Submission:

Labcorp Genetics (formerly Invitae), Labcorp
Classification: Uncertain significance. Last evaluated: 2026-02-04. Review status: criteria provided, single submitter. Criteria: Invitae Variant Classification Sherloc (09022015). Collection method: clinical testing. Allele origin: germline.
Comment: This sequence change replaces aspartic acid, which is acidic and polar, with glycine, which is neutral and non-polar, at codon 229 of the TGFB1 protein (p.Asp229Gly). The frequency data for this variant in the population databases is considered unreliable, as metrics indicate poor data quality at this position in the gnomAD database. This variant has not been reported in the literature in individuals affected with TGFB1-related conditions. ClinVar contains an entry for this variant (Variation ID: 2884647). Invitae Evidence Modeling of protein sequence and biophysical properties (such as structural, functional, and spatial information, amino acid conservation, physicochemical variation, residue mobility, and thermodynamic stability) indicates that this missense variant is not expected to disrupt TGFB1 protein function with a negative predictive value of 80%. In summary, the available evidence is currently insufficient to determine the role of this variant in disease. Therefore, it has been classified as a Variant of Uncertain Significance.

NM_000660.7(TGFB1):c.686A>G (p.Asp229Gly)

Gene: TGFB1 (transforming growth factor beta 1; minus strand). Cytogenetic location: 19q13.2.
Variant type: single nucleotide variant.
Coding change: c.686A>G on transcript NM_000660.7 (MANE Select); coding-DNA position 686, A replaced by G.
Protein change: p.Asp229Gly; replaces aspartic acid 229 with glycine.
Molecular consequence: missense variant.
Genome position (GRCh38, 1-based): chr19:41,342,196, T>C on the plus strand (A>G on the coding strand, the complement: TGFB1 is on the minus strand). VCF-style: chr19-41342196-T-C. GRCh37 (hg19) VCF-style: chr19-41848101-T-C.
Other names: short protein forms D229G.
Identifiers: ClinVar variation 2884647 (VCV002884647.3), dbSNP rs749782632, ClinGen allele CA9460029.
Genomic context (GRCh38, chr19:41,342,196, plus strand): 5'-CACAACTGGGCATGGCCGGGGAAGCAGGCCTCACCGTTGATGTCCACTTGCAGTGTGTTA[T>C]CCCTGCTGTCACAGGAGCAGTGGGCGCTAAGGCGAAAGCCCTCAATTTCCCCTGTAGGAG-3'
Protein context (NP_000651.3, residues 219-239): LSAHCSCDSR[Asp229Gly]NTLQVDINGF